The following is an entry in ClinVar:

NM_020810.3(TRMT5):c.927del (p.Phe312fs)

Gene: TRMT5 (tRNA methyltransferase 5; minus strand). Cytogenetic location: 14q23.1.
Variant type: Deletion.
Coding change: c.927del on transcript NM_020810.3 (MANE Select); coding-DNA position 927, one base deleted (T; older notation c.927delT).
Protein change: p.Phe312fs; shifts the reading frame from phenylalanine 312.
Molecular consequence: frameshift variant.
Genome position (GRCh38, 1-based): chr14:60,975,992, A deleted on the plus strand (T on the coding strand, the reverse complement: TRMT5 is on the minus strand); the first of 2 consecutive A bases (chr14:60,975,992-60,975,993); deleting either gives the same sequence. VCF-style (leftmost placement, unchanged base first): chr14-60975991-CA-C. GRCh37 (hg19) VCF-style: chr14-61442709-CA-C.
Other names: c.1011del, p.Phe340fs (NM_001350253.1); c.1008del, p.Phe339fs (NM_001350254.1); short protein forms F312fs, F340fs, F339fs.
Identifiers: ClinVar variation 1951309 (VCV001951309.5), dbSNP rs2502985858, ClinGen allele CA2580088302.

ClinVar aggregate classification (germline): Uncertain significance (1 of 4 stars; one submission).

Submission:

Labcorp Genetics (formerly Invitae), Labcorp
Classification: Uncertain significance. Last evaluated: 2022-07-15. Review status: criteria provided, single submitter. Criteria: Invitae Variant Classification Sherloc (09022015). Collection method: clinical testing. Allele origin: germline.
Comment: In summary, the available evidence is currently insufficient to determine the role of this variant in disease. Therefore, it has been classified as a Variant of Uncertain Significance. Experimental studies and prediction algorithms are not available or were not evaluated, and the functional significance of this variant is currently unknown. This variant has not been reported in the literature in individuals affected with TRMT5-related conditions. This variant is not present in population databases (gnomAD no frequency). This sequence change creates a premature translational stop signal (p.Phe312Leufs*5) in the TRMT5 gene. It is expected to result in an absent or disrupted protein product. However, the current clinical and genetic evidence is not sufficient to establish whether loss-of-function variants in TRMT5 cause disease.